The following is an entry in ClinVar:

ClinVar aggregate classification (germline): Likely benign (1 of 4 stars; one submission).

Allele frequency attached by ClinVar (database versions not stated): 1000 Genomes Project 30x 0.00281; 1000 Genomes Project 0.00300; TOPMed 0.00404; gnomAD exomes 0.00511 and 0.00633; gnomAD 0.00560 and 0.00574; ExAC 0.00656.
gnomAD v4.1: 4,264 of 702,924 alleles (0.61%); highest among the groups gnomAD compares: Non-Finnish European, 0.79%; 30 homozygotes.

Submission:

CeGaT Center for Human Genetics Tuebingen
Classification: Likely benign. Last evaluated: 2023-03-01. Review status: criteria provided, single submitter. Criteria: CeGaT Center For Human Genetics Tuebingen Variant Classification Criteria Version 2. Collection method: clinical testing. Allele origin: germline. Affected: yes. Observed: 3 variant alleles.
Comment: DIABLO: BS2; ENSG00000284934: BS2

NM_001371333.1(DIABLO):c.524-1159T>C

Gene: DIABLO (diablo IAP-binding mitochondrial protein; minus strand). Cytogenetic location: 12q24.31.
Variant type: single nucleotide variant.
Coding change: c.524-1159T>C on transcript NM_001371333.1 (MANE Select); 1159 bases into the intron before coding-DNA position 524, T replaced by C.
Molecular consequence: intron variant.
Genome position (GRCh38, 1-based): chr12:122,209,736, A>G on the plus strand (T>C on the coding strand, the complement: DIABLO is on the minus strand). VCF-style: chr12-122209736-A-G. GRCh37 (hg19) VCF-style: chr12-122694283-A-G.
Other names: c.305-1159T>C (NM_001278303.1); c.392-1159T>C (NM_001278342.1); c.233-1159T>C (NM_001278302.1); c.365-1159T>C (NM_138930.3, NM_001278304.2); c.524-1159T>C (NM_019887.6).
Identifiers: ClinVar variation 1694689 (VCV001694689.30), dbSNP rs74759407, ClinGen allele CA6843854.